The following is an entry in ClinVar:

ClinVar aggregate classification (germline): Uncertain significance (1 of 4 stars; one submission).

Conditions:
Spongy degeneration of central nervous system. Also called: ACY2 DEFICIENCY; AMINOACYLASE 2 DEFICIENCY; ASP DEFICIENCY; ASPA DEFICIENCY; ASPARTOACYLASE DEFICIENCY; CANAVAN-VAN BOGAERT-BERTRAND DISEASE. Identifiers: Orphanet 141, MedGen C0206307, MONDO:0010079, OMIM 271900.

Allele frequency attached by ClinVar (database versions not stated): ExAC 0.00001; gnomAD exomes 0.00001.
gnomAD v4.1: 5 of 1,614,188 alleles (0.00031%); highest among the groups gnomAD compares: Admixed American, 0.005%; no homozygotes.

Submission:

Labcorp Genetics (formerly Invitae), Labcorp
Classification: Uncertain significance for Spongy degeneration of central nervous system. Last evaluated: 2022-05-22. Review status: criteria provided, single submitter. Criteria: Invitae Variant Classification Sherloc (09022015). Collection method: clinical testing. Allele origin: germline.
Comment: This sequence change replaces threonine, which is neutral and polar, with alanine, which is neutral and non-polar, at codon 299 of the ASPA protein (p.Thr299Ala). In summary, the available evidence is currently insufficient to determine the role of this variant in disease. Therefore, it has been classified as a Variant of Uncertain Significance. Advanced modeling of protein sequence and biophysical properties (such as structural, functional, and spatial information, amino acid conservation, physicochemical variation, residue mobility, and thermodynamic stability) performed at Invitae indicates that this missense variant is not expected to disrupt ASPA protein function. This variant has not been reported in the literature in individuals affected with ASPA-related conditions. This variant is present in population databases (rs775163203, gnomAD 0.006%).

NM_000049.4(ASPA):c.895A>G (p.Thr299Ala)

Genes: ASPA (aspartoacylase; plus strand), SPATA22 (spermatogenesis associated 22; minus strand). Cytogenetic location: 17p13.2.
Variant type: single nucleotide variant.
Coding change: c.895A>G on transcript NM_000049.4 (MANE Select); coding-DNA position 895, A replaced by G.
Protein change: p.Thr299Ala; replaces threonine 299 with alanine.
Molecular consequence: missense variant. On other transcripts: intron variant (2).
Genome position (GRCh38, 1-based): chr17:3,499,041, A>G. VCF-style: chr17-3499041-A-G. GRCh37 (hg19) VCF-style: chr17-3402335-A-G.
Other names: c.895A>G, p.Thr299Ala (NM_001128085.1); c.-74+14371T>C (NM_001321336.2, NM_001321337.2); short protein forms T299A.
Identifiers: ClinVar variation 2157380 (VCV002157380.3), dbSNP rs775163203, ClinGen allele CA8289058.